The following is an entry in ClinVar:

NM_006265.3(RAD21):c.188T>C (p.Val63Ala)

Gene: RAD21 (RAD21 cohesin complex component; minus strand). Cytogenetic location: 8q24.11.
Variant type: single nucleotide variant.
Coding change: c.188T>C on transcript NM_006265.3 (MANE Select); coding-DNA position 188, T replaced by C.
Protein change: p.Val63Ala; replaces valine 63 with alanine.
Molecular consequence: missense variant.
Genome position (GRCh38, 1-based): chr8:116,863,216, A>G on the plus strand (T>C on the coding strand, the complement: RAD21 is on the minus strand). VCF-style: chr8-116863216-A-G. GRCh37 (hg19) VCF-style: chr8-117875455-A-G.
Other names: short protein forms V63A.
Identifiers: ClinVar variation 4055993 (VCV004055993.1).

ClinVar aggregate classification (germline): Uncertain significance (1 of 4 stars; one submission).

Submission:

GeneDx
Classification: Uncertain significance. Last evaluated: 2025-01-03. Review status: criteria provided, single submitter. Criteria: GeneDx Variant Classification Process June 2021. Collection method: clinical testing. Allele origin: germline. Affected: yes.
Comment: Not observed at significant frequency in large population cohorts (gnomAD); In silico analysis supports that this missense variant has a deleterious effect on protein structure/function; Has not been previously published as pathogenic or benign to our knowledge